The following is an entry in ClinVar:

NM_022041.4(GAN):c.*1658T>G

Gene: GAN (gigaxonin; plus strand). Cytogenetic location: 16q23.2.
Variant type: single nucleotide variant.
Coding change: c.*1658T>G on transcript NM_022041.4 (MANE Select); 1658 bases downstream of the stop codon, T replaced by G.
Molecular consequence: 3 prime UTR variant.
Genome position (GRCh38, 1-based): chr16:81,379,254, T>G. VCF-style: chr16-81379254-T-G. GRCh37 (hg19) VCF-style: chr16-81412859-T-G.
Other names: c.*1658T>G (NM_001377486.1).
Identifiers: ClinVar variation 320698 (VCV000320698.6), dbSNP rs16955221, ClinGen allele CA10644353.

ClinVar aggregate classification (germline): Benign. Review status: criteria provided, multiple submitters, no conflicts (2 of 4 stars). 2 submissions from 2 submitters: Benign (2). Last evaluated 2018-01-13.

Conditions:
Giant axonal neuropathy 1 (GAN1). Also called: GAN-Related Neurodegeneration; GIANT AXONAL NEUROPATHY 1, AUTOSOMAL RECESSIVE. Identifiers: Orphanet 643, MedGen C1850386, MONDO:0009749, OMIM 256850.

Allele frequency attached by ClinVar (database versions not stated): gnomAD 0.04961 and 0.05141; TOPMed 0.05071; 1000 Genomes Project 0.05591; 1000 Genomes Project 30x 0.05840.

Submissions (2):

Illumina Laboratory Services, Illumina
Classification: Benign for Giant axonal neuropathy 1. Last evaluated: 2018-01-13. Review status: criteria provided, single submitter. Criteria: ICSL Variant Classification Criteria 13 December 2019. Collection method: clinical testing. Allele origin: germline.
Comment: This variant was observed in the ICSL laboratory as part of a predisposition screen in an ostensibly healthy population. It had not been previously curated by ICSL or reported in the Human Gene Mutation Database (HGMD: prior to June 1st, 2018), and was therefore a candidate for classification through an automated scoring system. Utilizing variant allele frequency, disease prevalence and penetrance estimates, and inheritance mode, an automated score was calculated to assess if this variant is too frequent to cause the disease. Based on the score and internal cut-off values, a variant classified as benign is not then subjected to further curation. The score for this variant resulted in a classification of benign for this disease.

Breakthrough Genomics
Classification: Benign. Review status: criteria provided, single submitter. Criteria: ACMG Guidelines, 2015. Collection method: not provided. Allele origin: germline. Inheritance: Autosomal recessive inheritance. Affected: yes.